The following is an entry in ClinVar:

NM_007294.4(BRCA1):c.4893T>A (p.Ser1631Arg)

Gene: BRCA1 (BRCA1 DNA repair associated; minus strand). Cytogenetic location: 17q21.31.
Variant type: single nucleotide variant.
Coding change: c.4893T>A on transcript NM_007294.4 (MANE Select); coding-DNA position 4893, T replaced by A.
Protein change: p.Ser1631Arg; replaces serine 1631 with arginine.
Molecular consequence: missense variant. On other transcripts: non-coding transcript variant (1).
Genome position (GRCh38, 1-based): chr17:43,071,021, A>T on the plus strand (T>A on the coding strand, the complement: BRCA1 is on the minus strand). VCF-style: chr17-43071021-A-T. GRCh37 (hg19) VCF-style: chr17-41223038-A-T.
Other names: c.4680T>A, p.Ser1560Arg (NM_001407571.1, NM_001407906.1, NM_001407907.1 and 12 more transcripts); c.4959T>A, p.Ser1653Arg (NM_001407581.1, NM_001407582.1); c.4956T>A, p.Ser1652Arg (NM_001407583.1, NM_001407585.1, NM_001407587.1 and 1 more transcripts); c.4953T>A, p.Ser1651Arg (NM_001407590.1, NM_001407591.1); c.4893T>A, p.Ser1631Arg (NM_001407593.1, NM_001407594.1, NM_001407596.1 and 8 more transcripts); c.4890T>A, p.Ser1630Arg (NM_001407613.1, NM_001407614.1, NM_001407615.1 and 17 more transcripts); c.4887T>A, p.Ser1629Arg (NM_001407632.1, NM_001407633.1, NM_001407634.1 and 14 more transcripts); c.4815T>A, p.Ser1605Arg (NM_001407654.1, NM_001407655.1, NM_001407653.1); and 70 more; short protein forms S1631R, S527R, S1652R, S1584R, S1502R, S1504R, S1520R, S1559R.
Identifiers: ClinVar variation 628576 (VCV000628576.6), dbSNP rs80356850, ClinGen allele CA10591739.
Genomic context (GRCh38, chr17:43,071,021, plus strand): 5'-GGACATTCTTTTGTTGACCCTTTCTGTTGAAGCTGTCAATTCTGGCTTCTCCCTGCTCAC[A>T]CTTTCTTCCATTGCATTATACCCAGCAGTATCAGTAGTATGAGCAGCAGCTGGACTCTGG-3'
Protein context (NP_009225.1, residues 1621-1641): DTAGYNAMEE[Ser1631Arg]VSREKPELTA

ClinVar aggregate classification (germline): Uncertain significance (1 of 4 stars; one submission).

Conditions:
Hereditary cancer-predisposing syndrome. Also called: Hereditary neoplastic syndrome; Tumor predisposition; Hereditary Cancer Syndrome; Neoplastic Syndromes, Hereditary. Identifiers: Orphanet 140162, MedGen C0027672, MeSH D009386, MONDO:0015356.

Submissions (2):

Color Diagnostics, LLC DBA Color Health
Classification: Uncertain significance for Hereditary cancer-predisposing syndrome. Last evaluated: 2019-01-18. Review status: criteria provided, single submitter. Criteria: ACMG Guidelines, 2015. Collection method: clinical testing. Allele origin: germline.

Brotman Baty Institute, University of Washington
No classification provided (evidence only). Condition: Breast-ovarian cancer, familial 1. Review status: no classification provided. Collection method: in vitro. Allele origin: not applicable. Functional consequence: functionally_normal. Not counted in ClinVar's aggregate classification.
ClinVar note: "not provided" was previously submitted as the classification for the variant. However, the classification appeared to be based only on an observation of functional data so it was converted to no classification on 2025-07-30.